The following is an entry in ClinVar:

ClinVar aggregate classification (germline): Uncertain significance. Review status: criteria provided, multiple submitters, no conflicts (2 of 4 stars). 3 submissions from 3 submitters: Uncertain significance (3). Last evaluated 2025-07-08.

Conditions:
Inborn genetic diseases. Identifiers: MedGen C0950123, MeSH D030342.

gnomAD v4.1: 2 of 1,614,192 alleles (0.00012%); highest among the groups gnomAD compares: Admixed American, 0.0033%; no homozygotes.

Submissions (3):

Women's Health and Genetics/Laboratory Corporation of America, LabCorp
Classification: Uncertain significance. Last evaluated: 2025-07-08. Review status: criteria provided, single submitter. Criteria: LabCorp Variant Classification Summary - May 2015. Collection method: clinical testing. Allele origin: germline.
Comment: Variant summary: TRIP12 c.824G>T (p.Arg275Leu) results in a non-conservative amino acid change in the encoded protein sequence. Algorithms developed to predict the effect of missense changes on protein structure and function are either unavailable or do not agree on the potential impact of this missense change. The variant allele was found at a frequency of 8e-06 in 251384 control chromosomes. The available data on variant occurrences in the general population are insufficient to allow any conclusion about variant significance. To our knowledge, no occurrence of c.824G>T in individuals affected with Clark-Baraitser Syndrome and no experimental evidence demonstrating its impact on protein function have been reported. ClinVar contains an entry for this variant (Variation ID: 3461744). Based on the evidence outlined above, the variant was classified as uncertain significance.

Ambry Genetics
Classification: Uncertain significance for Inborn genetic diseases. Last evaluated: 2024-08-05. Review status: criteria provided, single submitter. Criteria: Ambry Variant Classification Scheme 2023. Collection method: clinical testing. Allele origin: germline.

Labcorp Genetics (formerly Invitae), Labcorp
Classification: Uncertain significance. Last evaluated: 2024-05-22. Review status: criteria provided, single submitter. Criteria: Invitae Variant Classification Sherloc (09022015). Collection method: clinical testing. Allele origin: germline.
Comment: This sequence change replaces arginine, which is basic and polar, with leucine, which is neutral and non-polar, at codon 233 of the TRIP12 protein (p.Arg233Leu). This variant is present in population databases (no rsID available, gnomAD 0.006%). This variant has not been reported in the literature in individuals affected with TRIP12-related conditions. An algorithm developed to predict the effect of missense changes on protein structure and function (PolyPhen-2) suggests that this variant is likely to be disruptive. In summary, the available evidence is currently insufficient to determine the role of this variant in disease. Therefore, it has been classified as a Variant of Uncertain Significance.

NM_001348323.3(TRIP12):c.824G>T (p.Arg275Leu)

Gene: TRIP12 (thyroid hormone receptor interactor 12; minus strand). Cytogenetic location: 2q36.3.
Variant type: single nucleotide variant.
Coding change: c.824G>T on transcript NM_001348323.3 (MANE Select); coding-DNA position 824, G replaced by T.
Protein change: p.Arg275Leu; replaces arginine 275 with leucine.
Molecular consequence: missense variant. On other transcripts: intron variant (1).
Genome position (GRCh38, 1-based): chr2:229,858,975, C>A on the plus strand (G>T on the coding strand, the complement: TRIP12 is on the minus strand). VCF-style: chr2-229858975-C-A. GRCh37 (hg19) VCF-style: chr2-230723691-C-A.
Other names: c.698G>T, p.Arg233Leu (NM_001348318.2, NM_004238.3, NM_001284215.2 and 3 more transcripts); c.824G>T, p.Arg275Leu (NM_001348319.1, NM_001348320.2, NM_001348321.1 and 15 more transcripts); c.98+21007G>T (NM_001284216.2); short protein forms R233L, R275L.
Identifiers: ClinVar variation 3461744 (VCV003461744.6).